The following is an entry in ClinVar:

ClinVar aggregate classification (germline): Conflicting classifications of pathogenicity. Review status: criteria provided, conflicting classifications (1 of 4 stars). 2 submissions from 2 submitters: Likely pathogenic (1); Uncertain significance (1). Last evaluated 2026-07-01.

Conditions:
Glycogen storage disease, type II (IOPD). Also called: Pompe Disease; CARDIOMEGALIA GLYCOGENICA DIFFUSA; GLYCOGENOSIS, GENERALIZED, CARDIAC FORM; GSD II; POMPE DISEASE, INFANTILE-ONSET; GLYCOGEN STORAGE DISEASE II, INFANTILE-ONSET. Identifiers: Orphanet 365, MedGen C0017921, MONDO:0009290, OMIM 232300.

Submissions (2):

Genomenon, Inc
Classification: Uncertain significance for Glycogen storage disease, type II. Last evaluated: 2026-07-01. Review status: criteria provided, single submitter. Criteria: Genomenon Sequence Variant Interpretation Standards - Updated. Collection method: curation. Allele origin: germline. Affected: yes.
Comment: GAA p.Pro669Leu (c.2006C>T) is a missense variant that changes the amino acid at codon 669 from Proline to Leucine. This variant has been observed in at least one proband with a GAA-related disorder in the compound heterozygous and/or homozygous state (PMID:38162137). It is absent or not present at a significant frequency in gnomAD. In silico models predict that this variant is possibly or probably damaging. In conclusion, we classify GAA p.Pro669Leu (c.2006C>T) as a variant of uncertain significance.

Labcorp Genetics (formerly Invitae), Labcorp
Classification: Likely pathogenic for Glycogen storage disease, type II. Last evaluated: 2025-03-31. Review status: criteria provided, single submitter. Criteria: Invitae Variant Classification Sherloc (09022015). Collection method: clinical testing. Allele origin: germline.
Comment: This sequence change replaces proline, which is neutral and non-polar, with leucine, which is neutral and non-polar, at codon 669 of the GAA protein (p.Pro669Leu). This variant is not present in population databases (gnomAD no frequency). This missense change has been observed in individual(s) with Pompe disease (PMID: 38162137). Invitae Evidence Modeling of protein sequence and biophysical properties (such as structural, functional, and spatial information, amino acid conservation, physicochemical variation, residue mobility, and thermodynamic stability) indicates that this missense variant is expected to disrupt GAA protein function with a positive predictive value of 95%. In summary, the currently available evidence indicates that the variant is pathogenic, but additional data are needed to prove that conclusively. Therefore, this variant has been classified as Likely Pathogenic.

Literature cited by the submitters: PubMed 38162137 (cited by Genomenon, Inc and Labcorp Genetics (formerly Invitae), Labcorp).

NM_000152.5(GAA):c.2006C>T (p.Pro669Leu)

Gene: GAA (alpha glucosidase; plus strand). Cytogenetic location: 17q25.3.
Variant type: single nucleotide variant.
Coding change: c.2006C>T on transcript NM_000152.5 (MANE Select); coding-DNA position 2006, C replaced by T.
Protein change: p.Pro669Leu; replaces proline 669 with leucine.
Molecular consequence: missense variant.
Genome position (GRCh38, 1-based): chr17:80,112,993, C>T. VCF-style: chr17-80112993-C-T. GRCh37 (hg19) VCF-style: chr17-78086792-C-T.
Other names: c.2006C>T, p.Pro669Leu (NM_001079803.3, NM_001079804.3, NM_001406741.1 and 1 more transcripts); short protein forms P669L.
Identifiers: ClinVar variation 4800918 (VCV004800918.2).